The following is an entry in ClinVar:

ClinVar aggregate classification (germline): Uncertain significance (1 of 4 stars; one submission).

gnomAD v4.1: 3 of 1,614,032 alleles (0.00019%); highest among the groups gnomAD compares: Non-Finnish European, 0.000085%; no homozygotes.

Submission:

GeneDx
Classification: Uncertain significance. Last evaluated: 2025-06-25. Review status: criteria provided, single submitter. Criteria: GeneDx Variant Classification Process June 2021. Collection method: clinical testing. Allele origin: germline. Affected: yes.
Comment: Not observed at significant frequency in large population cohorts (gnomAD); In silico analysis supports that this missense variant has a deleterious effect on protein structure/function; Has not been previously published as pathogenic or benign to our knowledge

NM_001394062.1(MACF1):c.20680C>T (p.Arg6894Cys)

Gene: MACF1 (microtubule actin crosslinking factor 1; plus strand). Cytogenetic location: 1p34.3.
Variant type: single nucleotide variant.
Coding change: c.20680C>T on transcript NM_001394062.1 (MANE Select); coding-DNA position 20680, C replaced by T.
Protein change: p.Arg6894Cys; replaces arginine 6894 with cysteine.
Molecular consequence: missense variant.
Genome position (GRCh38, 1-based): chr1:39,452,750, C>T. VCF-style: chr1-39452750-C-T. GRCh37 (hg19) VCF-style: chr1-39918422-C-T.
Other names: c.8758C>T, p.Arg2920Cys (NM_001397473.1); c.14503C>T, p.Arg4835Cys (NM_012090.5); short protein forms R2920C, R4835C, R6894C.
Identifiers: ClinVar variation 4539839 (VCV004539839.1).